The following is an entry in ClinVar:

NM_080680.3(COL11A2):c.3831C>T (p.Pro1277=)

Gene: COL11A2 (collagen type XI alpha 2 chain; minus strand). Cytogenetic location: 6p21.32.
Variant type: single nucleotide variant.
Coding change: c.3831C>T on transcript NM_080680.3 (MANE Select); coding-DNA position 3831, C replaced by T.
Protein change: p.Pro1277=; no amino-acid change (proline 1277 retained).
Molecular consequence: synonymous variant.
Genome position (GRCh38, 1-based): chr6:33,168,976, G>A on the plus strand (C>T on the coding strand, the complement: COL11A2 is on the minus strand). VCF-style: chr6-33168976-G-A. GRCh37 (hg19) VCF-style: chr6-33136753-G-A.
Other names: c.3573C>T, p.Pro1191= (NM_080681.3); c.3510C>T, p.Pro1170= (NM_080679.3).
Identifiers: ClinVar variation 390137 (VCV000390137.1), dbSNP rs1007732519, ClinGen allele CA16605042.

ClinVar aggregate classification (germline): Likely benign (1 of 4 stars; one submission).

gnomAD v4.1: 3 of 1,609,710 alleles (0.00019%); highest among the groups gnomAD compares: Non-Finnish European, 0.00025%; no homozygotes.

Submission:

GeneDx
Classification: Likely benign. Last evaluated: 2016-10-31. Review status: criteria provided, single submitter. Criteria: GeneDx Variant Classification (06012015). Collection method: clinical testing. Allele origin: germline. Affected: yes.
Comment: This variant is considered likely benign or benign based on one or more of the following criteria: it is a conservative change, it occurs at a poorly conserved position in the protein, it is predicted to be benign by multiple in silico algorithms, and/or has population frequency not consistent with disease.